The following is an entry in ClinVar:

NM_004821.3(HAND1):c.29ATCACCACC[1] (p.His13_His15del)

Gene: HAND1 (heart and neural crest derivatives expressed 1; minus strand). Cytogenetic location: 5q33.2.
Variant type: Microsatellite.
Coding change: c.29ATCACCACC[1] on transcript NM_004821.3 (MANE Select); one copy of the 9-base unit ATCACCACC starting at c.29; the reference has two copies in a row; one copy, 9 bases deleted.
Protein change: p.His13_His15del.
Molecular consequence: inframe deletion.
Genome position (GRCh38, 1-based): chr5:154,477,963-154,477,971, GGTGGTGAT deleted on the plus strand (ATCACCACC on the coding strand, the reverse complement: HAND1 is on the minus strand); deleting any 9 consecutive bases within chr5:154,477,963-154,477,984 gives the same sequence; the position shown is the placement nearest the transcript's 3' end. VCF-style (leftmost placement, unchanged base first): chr5-154477962-GGGTGGTGAT-G. GRCh37 (hg19) VCF-style: chr5-153857522-GGGTGGTGAT-G.
Other names: c.38_46del9 (NM_004821.2).
Identifiers: ClinVar variation 2150186 (VCV002150186.5), dbSNP rs754696027, ClinGen allele CA805959682.

ClinVar aggregate classification (germline): Uncertain significance. Review status: criteria provided, multiple submitters, no conflicts (2 of 4 stars). 2 submissions from 2 submitters: Uncertain significance (2). Last evaluated 2025-10-04.

Conditions:
HAND1-related disorder. Also called: HAND1-related condition.
Hypoplastic left heart syndrome. Also called: Hypoplastic left ventricle; Hypoplastic left heart. Identifiers: Orphanet 2248, MedGen C0152101, MONDO:0004933, HP:0004383.

Submissions (2):

PreventionGenetics, part of Exact Sciences
Classification: Uncertain significance for HAND1-related condition. Last evaluated: 2025-10-04. Review status: criteria provided, single submitter. Criteria: ACMG Guidelines, 2015. Collection method: clinical testing. Allele origin: germline.
Comment: The HAND1 c.38_46del9 variant is predicted to result in an in-frame deletion (p.His13_His15del). To our knowledge, this variant has not been reported in the literature or in a large population database (gnomAD), indicating this variant is rare. At this time, the clinical significance of this variant is uncertain due to the absence of conclusive functional and genetic evidence.

Labcorp Genetics (formerly Invitae), Labcorp
Classification: Uncertain significance for Hypoplastic left heart syndrome. Last evaluated: 2022-09-19. Review status: criteria provided, single submitter. Criteria: Invitae Variant Classification Sherloc (09022015). Collection method: clinical testing. Allele origin: germline.
Comment: In summary, the available evidence is currently insufficient to determine the role of this variant in disease. Therefore, it has been classified as a Variant of Uncertain Significance. Experimental studies and prediction algorithms are not available or were not evaluated, and the functional significance of this variant is currently unknown. This variant has not been reported in the literature in individuals affected with HAND1-related conditions. This variant is not present in population databases (gnomAD no frequency). This variant, c.38_46del, results in the deletion of 3 amino acid(s) of the HAND1 protein (p.His13_His15del), but otherwise preserves the integrity of the reading frame.